The following is an entry in ClinVar:

ClinVar aggregate classification (germline): Uncertain significance (1 of 4 stars; one submission).

Submission:

Labcorp Genetics (formerly Invitae), Labcorp
Classification: Uncertain significance. Last evaluated: 2022-03-14. Review status: criteria provided, single submitter. Criteria: Invitae Variant Classification Sherloc (09022015). Collection method: clinical testing. Allele origin: germline.
Comment: This sequence change replaces serine, which is neutral and polar, with tyrosine, which is neutral and polar, at codon 650 of the FRMD7 protein (p.Ser650Tyr). This variant is not present in population databases (gnomAD no frequency). This variant has not been reported in the literature in individuals affected with FRMD7-related conditions. Algorithms developed to predict the effect of missense changes on protein structure and function are either unavailable or do not agree on the potential impact of this missense change (SIFT: "Tolerated"; PolyPhen-2: "Probably Damaging"; Align-GVGD: "Class C0"). In summary, the available evidence is currently insufficient to determine the role of this variant in disease. Therefore, it has been classified as a Variant of Uncertain Significance.

NM_194277.3(FRMD7):c.1949C>A (p.Ser650Tyr)

Gene: FRMD7 (FERM domain containing 7; minus strand). Cytogenetic location: Xq26.2.
Variant type: single nucleotide variant.
Coding change: c.1949C>A on transcript NM_194277.3 (MANE Select); coding-DNA position 1949, C replaced by A.
Protein change: p.Ser650Tyr; replaces serine 650 with tyrosine.
Molecular consequence: missense variant.
Genome position (GRCh38, 1-based): chrX:132,078,068, G>T on the plus strand (C>A on the coding strand, the complement: FRMD7 is on the minus strand). VCF-style: chrX-132078068-G-T. GRCh37 (hg19) VCF-style: chrX-131212096-G-T.
Other names: c.1904C>A, p.Ser635Tyr (NM_001306193.2); short protein forms S635Y, S650Y.
Identifiers: ClinVar variation 2112219 (VCV002112219.4), dbSNP rs2520690784, ClinGen allele CA414677936.
Genomic context (GRCh38, chrX:132,078,068, plus strand): 5'-ATTTCTTTGCCATACAAAGCATAGTAGTCTGGTTTAAGAATCTCTGATTCAGAATCACTG[G>T]ATTCACTAGCTACATACCTTTCTGCTGTACTTTGATCCATTAGAACTGCTGGCAACTCCT-3'
Protein context (NP_919253.1, residues 640-660): STAERYVASE[Ser650Tyr]SDSESEILKP